The following is an entry in ClinVar:

ClinVar aggregate classification (germline): Benign. Review status: criteria provided, multiple submitters, no conflicts (2 of 4 stars). 13 submissions from 12 submitters: Benign (10). 3 of the submissions do not count toward it. Last evaluated 2026-02-03.

Conditions:
Senior-Loken syndrome 4 (SLSN4). Identifiers: Orphanet 3156, MedGen C1846979, MONDO:0011756, OMIM 606996.
Nephronophthisis 4 (NPHP4). Also called: NEPHRONOPHTHISIS 4, JUVENILE. Identifiers: Orphanet 655, MedGen C1847013, MONDO:0011752, OMIM 606966.
Nephronophthisis. Also called: Juvenile Nephronophthisis. Identifiers: Orphanet 655, MedGen C0687120, MONDO:0019005, HP:0000090.

Allele frequency attached by ClinVar (database versions not stated): ESP Exome Variant Server 0.35241; gnomAD 0.36928 and 0.37859; TOPMed 0.38014; gnomAD exomes 0.40186 and 0.43056; 1000 Genomes Project 30x 0.44941; 1000 Genomes Project 0.45347; ExAC 0.47507.
gnomAD v4.1: 629,577 of 1,575,438 alleles (40%); highest among the groups gnomAD compares: East Asian, 75%; 129,927 homozygotes.

Submissions (13):

Labcorp Genetics (formerly Invitae), Labcorp
Classification: Benign for Nephronophthisis. Last evaluated: 2026-02-03. Review status: criteria provided, single submitter. Criteria: Invitae Variant Classification Sherloc (09022015). Collection method: clinical testing. Allele origin: germline.

Blueprint Genetics
Classification: Benign. Last evaluated: 2024-11-26. Review status: criteria provided, single submitter. Criteria: ACMG Guidelines, 2015. Collection method: clinical testing. Allele origin: germline.

Mayo Clinic Laboratories, Mayo Clinic
Classification: Benign. Last evaluated: 2022-05-05. Review status: criteria provided, single submitter. Criteria: ACMG Guidelines, 2015. Collection method: clinical testing. Allele origin: germline. Observed: 451 variant alleles.

Genome-Nilou Lab
Classification: Benign for Nephronophthisis 4. Last evaluated: 2021-09-05. Review status: criteria provided, single submitter. Criteria: ACMG Guidelines, 2015. Collection method: clinical testing. Allele origin: germline. Affected: no.

GeneDx
Classification: Benign. Last evaluated: 2020-03-24. Review status: criteria provided, single submitter. Criteria: GeneDx Variant Classification Process June 2021. Collection method: clinical testing. Allele origin: germline. Affected: yes.

Illumina Laboratory Services, Illumina
Classification: Benign for Nephronophthisis 4. Last evaluated: 2018-01-12. Review status: criteria provided, single submitter. Criteria: ICSL Variant Classification Criteria 13 December 2019. Collection method: clinical testing. Allele origin: germline.
Comment: This variant was observed in the ICSL laboratory as part of a predisposition screen in an ostensibly healthy population. It had not been previously curated by ICSL or reported in the Human Gene Mutation Database (HGMD: prior to June 1st, 2018), and was therefore a candidate for classification through an automated scoring system. Utilizing variant allele frequency, disease prevalence and penetrance estimates, and inheritance mode, an automated score was calculated to assess if this variant is too frequent to cause the disease. Based on the score and internal cut-off values, a variant classified as benign is not then subjected to further curation. The score for this variant resulted in a classification of benign for this disease.

Illumina Laboratory Services, Illumina
Classification: Benign for Senior-Loken syndrome 4. Last evaluated: 2018-01-12. Review status: criteria provided, single submitter. Criteria: ICSL Variant Classification Criteria 13 December 2019. Collection method: clinical testing. Allele origin: germline.
Comment: the same text as in the submission from Illumina Laboratory Services, Illumina above.

PreventionGenetics, part of Exact Sciences
Classification: Benign. Last evaluated: 2016-01-27. Review status: criteria provided, single submitter. Criteria: ACMG Guidelines, 2015. Collection method: clinical testing. Allele origin: germline.

Eurofins Ntd Llc (ga)
Classification: Benign. Last evaluated: 2013-10-04. Review status: criteria provided, single submitter. Criteria: EGL Classification Definitions 2015. Collection method: clinical testing. Allele origin: germline. Observed: 31 variant alleles, 23 heterozygotes, 8 homozygotes.

Breakthrough Genomics
Classification: Benign. Review status: criteria provided, single submitter. Criteria: ACMG Guidelines, 2015. Collection method: not provided. Allele origin: germline. Inheritance: Autosomal recessive inheritance. Affected: yes.

Clinical Genetics DNA and cytogenetics Diagnostics Lab, Erasmus MC, Erasmus Medical Center
Classification: Benign. Review status: no assertion criteria provided. Collection method: clinical testing. Allele origin: germline. Affected: yes. Study: VKGL Data-share Consensus. Not counted in ClinVar's aggregate classification.

Diagnostic Laboratory, Department of Genetics, University Medical Center Groningen
Classification: Benign. Review status: no assertion criteria provided. Collection method: clinical testing. Allele origin: germline. Affected: yes. Study: VKGL Data-share Consensus. Not counted in ClinVar's aggregate classification.

Joint Genome Diagnostic Labs from Nijmegen and Maastricht, Radboudumc and MUMC+
Classification: Benign. Review status: no assertion criteria provided. Collection method: clinical testing. Allele origin: germline. Affected: yes. Study: VKGL Data-share Consensus. Not counted in ClinVar's aggregate classification.

NM_015102.5(NPHP4):c.2802C>T (p.Arg934=)

Gene: NPHP4 (nephrocystin 4; minus strand). Cytogenetic location: 1p36.31.
Variant type: single nucleotide variant.
Coding change: c.2802C>T on transcript NM_015102.5 (MANE Select); coding-DNA position 2802, C replaced by T.
Protein change: p.Arg934=; no amino-acid change (arginine 934 retained).
Molecular consequence: synonymous variant. On other transcripts: non-coding transcript variant (1).
Genome position (GRCh38, 1-based): chr1:5,877,108, G>A on the plus strand (C>T on the coding strand, the complement: NPHP4 is on the minus strand). VCF-style: chr1-5877108-G-A. GRCh37 (hg19) VCF-style: chr1-5937168-G-A.
Other names: p.Arg934=; c.1263C>T, p.Arg421= (NM_001291593.2); c.1266C>T, p.Arg422= (NM_001291594.2).
Identifiers: ClinVar variation 95679 (VCV000095679.31), dbSNP rs3747992, ClinGen allele CA148743.